The following is an entry in ClinVar:

ClinVar aggregate classification (germline): Likely benign. Review status: criteria provided, multiple submitters, no conflicts (2 of 4 stars). 3 submissions from 3 submitters: Likely benign (2). 1 of the submissions does not count toward it. Last evaluated 2024-03-18.

Conditions:
ABCA3-related disorder. Also called: ABCA3-related condition.
Hereditary pulmonary alveolar proteinosis. Also called: Pulmonary surfactant metabolism dysfunction. Identifiers: Orphanet 264675, MedGen C3711368, MONDO:0012580.

Allele frequency attached by ClinVar (database versions not stated): ESP Exome Variant Server 0.00008; ExAC 0.00010; TOPMed 0.00012; gnomAD 0.00016.
gnomAD v4.1: 245 of 1,613,956 alleles (0.015%); highest among the groups gnomAD compares: Non-Finnish European, 0.02%; 1 homozygote.

Submissions (3):

Labcorp Genetics (formerly Invitae), Labcorp
Classification: Likely benign. Last evaluated: 2024-03-18. Review status: criteria provided, single submitter. Criteria: Invitae Variant Classification Sherloc (09022015). Collection method: clinical testing. Allele origin: germline.

Ambry Genetics
Classification: Likely benign for Hereditary pulmonary alveolar proteinosis. Last evaluated: 2018-08-20. Review status: criteria provided, single submitter. Criteria: Ambry Variant Classification Scheme 2023. Collection method: clinical testing. Allele origin: germline.

PreventionGenetics, part of Exact Sciences
Classification: Likely benign for ABCA3-related condition. Last evaluated: 2020-09-08. Review status: no assertion criteria provided. Collection method: clinical testing. Allele origin: germline. Not counted in ClinVar's aggregate classification.
Comment: This variant is classified as likely benign based on ACMG/AMP sequence variant interpretation guidelines (Richards et al. 2015 PMID: 25741868, with internal and published modifications).

NM_001089.3(ABCA3):c.1806T>C (p.Val602=)

Gene: ABCA3 (ATP binding cassette subfamily A member 3; minus strand). Cytogenetic location: 16p13.3.
Variant type: single nucleotide variant.
Coding change: c.1806T>C on transcript NM_001089.3 (MANE Select); coding-DNA position 1806, T replaced by C.
Protein change: p.Val602=; no amino-acid change (valine 602 retained).
Molecular consequence: synonymous variant.
Genome position (GRCh38, 1-based): chr16:2,298,476, A>G on the plus strand (T>C on the coding strand, the complement: ABCA3 is on the minus strand). VCF-style: chr16-2298476-A-G. GRCh37 (hg19) VCF-style: chr16-2348477-A-G.
Identifiers: ClinVar variation 1780489 (VCV001780489.7), dbSNP rs367779123, ClinGen allele CA7841086.